The following is an entry in ClinVar:

NM_002074.5(GNB1):c.239T>G (p.Ile80Ser)

Gene: GNB1 (G protein subunit beta 1; minus strand). Cytogenetic location: 1p36.33.
Variant type: single nucleotide variant.
Coding change: c.239T>G on transcript NM_002074.5 (MANE Select); coding-DNA position 239, T replaced by G.
Protein change: p.Ile80Ser; replaces isoleucine 80 with serine.
Molecular consequence: missense variant. On other transcripts: 5 prime UTR variant (1).
Genome position (GRCh38, 1-based): chr1:1,806,503, A>C on the plus strand (T>G on the coding strand, the complement: GNB1 is on the minus strand). VCF-style: chr1-1806503-A-C. GRCh37 (hg19) VCF-style: chr1-1737942-A-C.
Other names: c.-62T>G (NM_001282538.2); c.239T>G, p.Ile80Ser (NM_001282539.2); short protein forms I80S.
Identifiers: ClinVar variation 391609 (VCV000391609.5), dbSNP rs752746786, ClinGen allele CA16603489.
Genomic context (GRCh38, chr1:1,806,503, plus strand): 5'-TTTTTCAAGGAAGGGAATCCTCCAGTCCCTACCTTGTTGGTGGTGTAGCTGTCCCAGATG[A>C]TAAGTTTACCATCCTGCGAGGCACTGACGAGAAGCCTGGAGGGACAGACAAAAGCAAACC-3'
Protein context (NP_002065.1, residues 70-90): LVSASQDGKL[Ile80Ser]IWDSYTTNKV

ClinVar aggregate classification (germline): Pathogenic/Likely pathogenic. Review status: criteria provided, multiple submitters, no conflicts (2 of 4 stars). 2 submissions from 2 submitters: Pathogenic (1); Likely pathogenic (1). Last evaluated 2023-06-13.

Conditions:
Intellectual developmental disorder, autosomal dominant 42. Also called: Global developmental delay-neuro-ophthalmological abnormalities-seizures-intellectual disability syndrome; Intellectual disability, autosomal dominant 42; GNB1 Encephalopathy. Identifiers: Orphanet 488613, MedGen C4310774, MONDO:0014855, OMIM 616973.

Submissions (2):

GeneDx
Classification: Pathogenic. Last evaluated: 2023-06-13. Review status: criteria provided, single submitter. Criteria: GeneDx Variant Classification Process June 2021. Collection method: clinical testing. Allele origin: germline. Affected: yes.
Comment: Not observed at significant frequency in large population cohorts (gnomAD); In silico analysis supports that this missense variant has a deleterious effect on protein structure/function; Has not been previously published as pathogenic or benign to our knowledge

MGZ Medical Genetics Center
Classification: Likely pathogenic for Intellectual developmental disorder, autosomal dominant 42. Last evaluated: 2021-08-26. Review status: criteria provided, single submitter. Criteria: ACMG Guidelines, 2015. Collection method: clinical testing. Allele origin: germline. Affected: yes. Observed: 1 variant allele.
Comment: ACMG criteria applied: PM1, PM5, PM2_SUP, PP2